The following is an entry in ClinVar:

NM_001267550.2(TTN):c.70368G>A (p.Trp23456Ter)

Genes: TTN-AS1 (TTN antisense RNA 1; plus strand), TTN (titin; minus strand), LOC126806422 (BRD4-independent group 4 enhancer GRCh37_chr2:179440205-179441404; plus strand). Cytogenetic location: 2q31.2.
Variant type: single nucleotide variant.
Coding change: c.70368G>A on transcript NM_001267550.2 (MANE Select); coding-DNA position 70368, G replaced by A.
Protein change: p.Trp23456Ter; replaces tryptophan 23456 with a stop codon.
Molecular consequence: nonsense.
Genome position (GRCh38, 1-based): chr2:178,575,764, C>T on the plus strand (G>A on the coding strand, the complement: TTN is on the minus strand). VCF-style: chr2-178575764-C-T. GRCh37 (hg19) VCF-style: chr2-179440491-C-T.
Other names: c.65445G>A, p.Trp21815Ter (NM_001256850.1); c.43173G>A, p.Trp14391Ter (NM_003319.4); c.62664G>A, p.Trp20888Ter (NM_133378.4); c.43548G>A, p.Trp14516Ter (NM_133432.3); c.43749G>A, p.Trp14583Ter (NM_133437.4); short protein forms W14391*, W21815*, W14516*, W14583*, W20888*, W23456*.
Identifiers: ClinVar variation 4786453 (VCV004786453.1).

ClinVar aggregate classification (germline): Likely pathogenic (1 of 4 stars; one submission).

Conditions:
Autosomal recessive limb-girdle muscular dystrophy type 2J (LGMDR10). Also called: Limb-girdle muscular dystrophy, type 2J; MUSCULAR DYSTROPHY, LIMB-GIRDLE, AUTOSOMAL RECESSIVE 10. Identifiers: Orphanet 140922, MedGen C1837342, MONDO:0012127, OMIM 608807.
Dilated cardiomyopathy 1G (CMD1G). Identifiers: Orphanet 154, MedGen C1858763, MONDO:0011400, OMIM 604145.

Submission:

Labcorp Genetics (formerly Invitae), Labcorp
Classification: Likely pathogenic for Dilated cardiomyopathy 1G; Autosomal recessive limb-girdle muscular dystrophy type 2J. Last evaluated: 2025-10-17. Review status: criteria provided, single submitter. Criteria: Invitae Variant Classification Sherloc (09022015). Collection method: clinical testing. Allele origin: germline.
Comment: This sequence change creates a premature translational stop signal (p.Trp23456*) in the TTN gene. While this is not anticipated to result in nonsense mediated decay, it is expected to create a truncated TTN protein. This variant is not present in population databases (gnomAD no frequency). This variant has not been reported in the literature in individuals affected with TTN-related conditions. This variant is located in the A band of TTN (PMID: 25589632). Truncating variants in this region are significantly overrepresented in patients affected with dilated cardiomyopathy (PMID: 25589632). Truncating variants in this region have also been reported in individuals affected with autosomal recessive centronuclear myopathy (PMID: 23975875). In summary, the currently available evidence indicates that the variant is pathogenic, but additional data are needed to prove that conclusively. Therefore, this variant has been classified as Likely Pathogenic.

Literature cited by the submitters: PubMed 25589632; PubMed 23975875.